The following is an entry in ClinVar:

NM_001194.4(HCN2):c.1667T>A (p.Met556Lys)

Gene: HCN2 (hyperpolarization activated cyclic nucleotide gated potassium and sodium channel 2; plus strand). Cytogenetic location: 19p13.3.
Variant type: single nucleotide variant.
Coding change: c.1667T>A on transcript NM_001194.4 (MANE Select); coding-DNA position 1667, T replaced by A.
Protein change: p.Met556Lys; replaces methionine 556 with lysine.
Molecular consequence: missense variant.
Genome position (GRCh38, 1-based): chr19:613,330, T>A. VCF-style: chr19-613330-T-A. GRCh37 (hg19) VCF-style: chr19-613330-T-A.
Other names: short protein forms M556K.
Identifiers: ClinVar variation 3392858 (VCV003392858.1).

ClinVar aggregate classification (germline): Uncertain significance (1 of 4 stars; one submission).

Submission:

GeneDx
Classification: Uncertain significance. Last evaluated: 2024-06-27. Review status: criteria provided, single submitter. Criteria: GeneDx Variant Classification Process June 2021. Collection method: clinical testing. Allele origin: germline. Affected: yes.
Comment: Not observed at significant frequency in large population cohorts (gnomAD); In silico analysis supports that this missense variant has a deleterious effect on protein structure/function; Has not been previously published as pathogenic or benign to our knowledge